The following is an entry in ClinVar:

NM_001005373.4(LRSAM1):c.1353G>A (p.Ala451=)

Gene: LRSAM1 (leucine rich repeat and sterile alpha motif containing 1; plus strand). Cytogenetic location: 9q33.3.
Variant type: single nucleotide variant.
Coding change: c.1353G>A on transcript NM_001005373.4 (MANE Select); coding-DNA position 1353, G replaced by A.
Protein change: p.Ala451=; no amino-acid change (alanine 451 retained).
Molecular consequence: synonymous variant. On other transcripts: non-coding transcript variant (2).
Genome position (GRCh38, 1-based): chr9:127,489,449, G>A. VCF-style: chr9-127489449-G-A. GRCh37 (hg19) VCF-style: chr9-130251728-G-A.
Other names: c.1353G>A (NM_138361.4); c.1353G>A, p.Ala451= (NM_001005374.4, NM_001190723.3, NM_001384142.1 and 2 more transcripts); c.564G>A, p.Ala188= (NM_001384144.1).
Identifiers: ClinVar variation 508196 (VCV000508196.16), dbSNP rs535634291, ClinGen allele CA5246959.

ClinVar aggregate classification (germline): Benign/Likely benign. Review status: criteria provided, multiple submitters, no conflicts (2 of 4 stars). 5 submissions from 5 submitters: Benign (1); Likely benign (4). Last evaluated 2025-04-04.

Conditions:
Inborn genetic diseases. Identifiers: MedGen C0950123, MeSH D030342.
Charcot-Marie-Tooth disease axonal type 2P. Also called: CHARCOT-MARIE-TOOTH DISEASE, AXONAL, TYPE 2G; CMT 2G; CHARCOT-MARIE-TOOTH NEUROPATHY, TYPE 2P; Charcot-Marie-Tooth Neuropathy Type 2G. Identifiers: Orphanet 300319, Orphanet 99941, MedGen C3280797, MONDO:0013753, OMIM 614436.
LRSAM1-related disorder. Also called: LRSAM1-related condition.

Allele frequency attached by ClinVar (database versions not stated): gnomAD 0.00004 and 0.00008; TOPMed 0.00008; gnomAD exomes 0.00011 and 0.00029; 1000 Genomes Project 30x 0.00016; 1000 Genomes Project 0.00020; ExAC 0.00035.
gnomAD v4.1: 180 of 1,607,590 alleles (0.011%); highest among the groups gnomAD compares: South Asian, 0.16%; 3 homozygotes.

Submissions (5):

PreventionGenetics, part of Exact Sciences
Classification: Likely benign for LRSAM1-related condition. Last evaluated: 2025-04-04. Review status: criteria provided, single submitter. Criteria: ACMG Guidelines, 2015. Collection method: clinical testing. Allele origin: germline.
Comment: This variant is classified as likely benign based on ACMG/AMP sequence variant interpretation guidelines (Richards et al. 2015 PMID: 25741868, with internal and published modifications).

Labcorp Genetics (formerly Invitae), Labcorp
Classification: Benign for Charcot-Marie-Tooth disease axonal type 2P. Last evaluated: 2024-12-31. Review status: criteria provided, single submitter. Criteria: Invitae Variant Classification Sherloc (09022015). Collection method: clinical testing. Allele origin: germline.

Blueprint Genetics
Classification: Likely benign. Last evaluated: 2023-08-08. Review status: criteria provided, single submitter. Criteria: ACMG Guidelines, 2015. Collection method: clinical testing. Allele origin: germline.

Ambry Genetics
Classification: Likely benign for Inborn genetic diseases. Last evaluated: 2019-07-11. Review status: criteria provided, single submitter. Criteria: Ambry Variant Classification Scheme 2023. Collection method: clinical testing. Allele origin: germline.

GeneDx
Classification: Likely benign. Last evaluated: 2017-03-20. Review status: criteria provided, single submitter. Criteria: GeneDx Variant Classification (06012015). Collection method: clinical testing. Allele origin: germline. Affected: yes.
Comment: This variant is considered likely benign or benign based on one or more of the following criteria: it is a conservative change, it occurs at a poorly conserved position in the protein, it is predicted to be benign by multiple in silico algorithms, and/or has population frequency not consistent with disease.